The following is an entry in ClinVar:

ClinVar aggregate classification (germline): Pathogenic/Likely pathogenic. Review status: criteria provided, multiple submitters, no conflicts (2 of 4 stars). 4 submissions from 4 submitters: Pathogenic (1); Likely pathogenic (2). 1 of the submissions does not count toward it. Last evaluated 2023-07-17.

Conditions:
Lysosomal acid lipase deficiency. Also called: Acid cholesteryl ester hydrolase deficiency, type 2. Identifiers: Orphanet 275761, MedGen C5574740, MONDO:0800449, MONDO:0010204.
Wolman disease (WOLD). Also called: Wolman disease, CESD; LYSOSOMAL ACID LIPASE DEFICIENCY, ACUTE INFANTILE; LYSOSOMAL ACID LIPASE DEFICIENCY, COMPLETE; LIPA DEFICIENCY, COMPLETE; LAL DEFICIENCY, COMPLETE; CHOLESTEROL ESTER HYDROLASE DEFICIENCY, COMPLETE. Identifiers: Orphanet 75233, MedGen C0043208, MONDO:0019148, OMIM 620151.
Cholesteryl ester storage disease (CESD). Also called: Childhood/Adult-Onset LAL-D (Cholesterol Ester Storage Disease [CESD]). Identifiers: Orphanet 75234, MedGen C0008384, MONDO:0019149, OMIM 278000.

Submissions (4):

Labcorp Genetics (formerly Invitae), Labcorp
Classification: Pathogenic for Wolman disease. Last evaluated: 2023-07-17. Review status: criteria provided, single submitter. Criteria: Invitae Variant Classification Sherloc (09022015). Collection method: clinical testing. Allele origin: germline.
Comment: For these reasons, this variant has been classified as Pathogenic. This variant disrupts a region of the LIPA protein in which other variant(s) (p.Leu200Pro) have been determined to be pathogenic (PMID: 7499245, 8146180, 8598644, 8617513, 31230978). This suggests that this is a clinically significant region of the protein, and that variants that disrupt it are likely to be disease-causing. Studies have shown that this variant results in the activation of a cryptic splice site in exon 6 (PMID: 31230978). ClinVar contains an entry for this variant (Variation ID: 867231). This variant has been observed in individual(s) with lysosomal acid lipase deficiency (PMID: 31230978). This variant is not present in population databases (gnomAD no frequency). This sequence change affects codon 200 of the LIPA mRNA. It is a 'silent' change, meaning that it does not change the encoded amino acid sequence of the LIPA protein. RNA analysis indicates that this variant induces altered splicing and likely results in the loss of 21 amino acid residue(s), but is expected to preserve the integrity of the reading-frame.

Women's Health and Genetics/Laboratory Corporation of America, LabCorp
Classification: Likely pathogenic for Wolman disease. Last evaluated: 2023-06-02. Review status: criteria provided, single submitter. Criteria: LabCorp Variant Classification Summary - May 2015. Collection method: clinical testing. Allele origin: germline.
Comment: Variant summary: LIPA c.600G>A alters a conserved nucleotide resulting in a synonymous change. Several computational tools predict a significant impact on normal splicing: Four predict the variant creates a 3' acceptor site. At least one publication reports experimental evidence that this variant affects mRNA splicing resulting in a 63 bp deletion (Bychkov_2019). The variant was absent in 251462 control chromosomes. c.600G>A has been reported in the literature in one homozygous individual affected with Lysosomal Acid Lipase Deficiency (Bychkov_2019). Enzymatic analysis of this individual indicates a severe decrease in Lyposomal Acid Lipase activity both in leukocytes and dried blood spots. The following publication have been ascertained in the context of this evaluation (PMID: 31230978). Three submitters have provided clinical-significance assessments for this variant to ClinVar after 2014 and classified as VUS (n=1), likely pathogenic (n=1) and pathogenic (n=1). Based on the evidence outlined above, the variant was classified as likely pathogenic.

Laboratory of Inherited Metabolic Diseases, Research centre for medical genetics
Classification: Likely pathogenic for Cholesteryl ester storage disease. Last evaluated: 2019-12-19. Review status: criteria provided, single submitter. Criteria: Bychkov IO et al. (Mol Genet Metab 2019). Collection method: research, in vitro, in vivo. Allele origin: germline, not applicable. Inheritance: Autosomal recessive inheritance. Affected: yes. Observed: 1 homozygote. Functional consequence: cryptic splice acceptor activation.
Comment: ACMG Guidelines, 2015 criteria: PS3, PM2, PP4

OMIM
Classification: Pathogenic for CHOLESTERYL ESTER STORAGE DISEASE. Last evaluated: 2023-06-02. Review status: no assertion criteria provided. Collection method: literature only. Allele origin: germline. Not counted in ClinVar's aggregate classification.

Literature cited by the submitters: PubMed 7499245 (cited by Labcorp Genetics (formerly Invitae), Labcorp); PubMed 8146180 (cited by Labcorp Genetics (formerly Invitae), Labcorp); PubMed 8598644 (cited by Labcorp Genetics (formerly Invitae), Labcorp); PubMed 8617513 (cited by Labcorp Genetics (formerly Invitae), Labcorp); PubMed 31230978 (cited by 3 submitters).

NM_000235.4(LIPA):c.600G>A (p.Leu200=)

Gene: LIPA (lipase A, lysosomal acid type; minus strand). Cytogenetic location: 10q23.31.
Variant type: single nucleotide variant.
Coding change: c.600G>A on transcript NM_000235.4 (MANE Select); coding-DNA position 600, G replaced by A.
Protein change: p.Leu200=; no amino-acid change (leucine 200 retained).
Molecular consequence: synonymous variant.
Genome position (GRCh38, 1-based): chr10:89,225,167, C>T on the plus strand (G>A on the coding strand, the complement: LIPA is on the minus strand). VCF-style: chr10-89225167-C-T. GRCh37 (hg19) VCF-style: chr10-90984924-C-T.
Other names: p.200=; c.600G>A, p.Leu200= (NM_001127605.3); c.252G>A, p.Leu84= (NM_001288979.2).
Identifiers: ClinVar variation 867231 (VCV000867231.20), dbSNP rs1172318248, ClinGen allele CA470737918.
Genomic context (GRCh38, chr10:89,225,167, plus strand): 5'-TGGTAATCGTCCTAATTTGGCCATAGGGCTAGTACAGAAGGCGACGGAAGCCACAGGACC[C>T]AGGGCAAAAAACATTTTAATCCTTTTAGCCAGCTCAGGGATCTGTGAAAATGCTATAAAA-3'
Protein context (NP_000226.2, residues 190-210): LAKRIKMFFA[Leu200=]GPVASVAFCT